The following is an entry in ClinVar:

NM_006231.4(POLE):c.910-11A>G

Gene: POLE (DNA polymerase epsilon, catalytic subunit; minus strand). Cytogenetic location: 12q24.33.
Variant type: single nucleotide variant.
Coding change: c.910-11A>G on transcript NM_006231.4 (MANE Select); 11 bases into the intron before coding-DNA position 910, A replaced by G.
Molecular consequence: intron variant.
Genome position (GRCh38, 1-based): chr12:132,676,215, T>C on the plus strand (A>G on the coding strand, the complement: POLE is on the minus strand). VCF-style: chr12-132676215-T-C. GRCh37 (hg19) VCF-style: chr12-133252801-T-C.
Identifiers: ClinVar variation 1937358 (VCV001937358.6), dbSNP rs1425601273, ClinGen allele CA685564979.

ClinVar aggregate classification (germline): Likely benign. Review status: criteria provided, multiple submitters, no conflicts (2 of 4 stars). 2 submissions from 2 submitters: Likely benign (2). Last evaluated 2025-02-07.

Conditions:
Colorectal cancer, susceptibility to, 12 (CRCS12). Also called: COLORECTAL CANCER, SUSCEPTIBILITY TO, ON CHROMOSOME 12q24. Identifiers: Orphanet 220460, MedGen C3554460, MONDO:0014038, OMIM 615083.

Allele frequency attached by ClinVar (database versions not stated): TOPMed below 0.00001; gnomAD 0.00001.

Submissions (2):

Myriad Genetics, Inc.
Classification: Likely benign for Colorectal cancer, susceptibility to, 12. Last evaluated: 2025-02-07. Review status: criteria provided, single submitter. Criteria: Myriad Autosomal Dominant, Autosomal Recessive and X-Linked Classification Criteria (2023). Collection method: clinical testing. Allele origin: unknown.
Comment: This variant is considered likely benign. This variant is intronic and is not expected to impact mRNA splicing.

Labcorp Genetics (formerly Invitae), Labcorp
Classification: Likely benign. Last evaluated: 2024-12-02. Review status: criteria provided, single submitter. Criteria: Invitae Variant Classification Sherloc (09022015). Collection method: clinical testing. Allele origin: germline.